The following is an entry in ClinVar:

ClinVar aggregate classification (germline): Uncertain significance (1 of 4 stars; one submission).

Conditions:
Werner syndrome (WRN). Identifiers: Orphanet 902, MedGen C0043119, MONDO:0010196, OMIM 277700.

Allele frequency attached by ClinVar (database versions not stated): gnomAD exomes below 0.00001; TOPMed 0.00001; gnomAD 0.00003.
gnomAD v4.1: 5 of 1,612,158 alleles (0.00031%); highest among the groups gnomAD compares: African/African-American, 0.0053%; no homozygotes.

Submission:

Labcorp Genetics (formerly Invitae), Labcorp
Classification: Uncertain significance for Werner syndrome. Last evaluated: 2025-07-30. Review status: criteria provided, single submitter. Criteria: Invitae Variant Classification Sherloc (09022015). Collection method: clinical testing. Allele origin: germline.
Comment: This sequence change falls in intron 12 of the WRN gene. It does not directly change the encoded amino acid sequence of the WRN protein. It affects a nucleotide within the consensus splice site. This variant is present in population databases (rs552659656, gnomAD 0.005%). This variant has not been reported in the literature in individuals affected with WRN-related conditions. ClinVar contains an entry for this variant (Variation ID: 528147). Variants that disrupt the consensus splice site are a relatively common cause of aberrant splicing (PMID: 17576681, 9536098). Algorithms developed to predict the effect of sequence changes on RNA splicing suggest that this variant may disrupt the consensus splice site. In summary, the available evidence is currently insufficient to determine the role of this variant in disease. Therefore, it has been classified as a Variant of Uncertain Significance.

Literature cited by the submitters: PubMed 17576681; PubMed 9536098.

NM_000553.6(WRN):c.1576+5G>A

Gene: WRN (WRN RecQ like helicase; plus strand). Cytogenetic location: 8p12.
Variant type: single nucleotide variant.
Coding change: c.1576+5G>A on transcript NM_000553.6 (MANE Select); 5 bases into the intron after coding-DNA position 1576, G replaced by A.
Molecular consequence: intron variant.
Genome position (GRCh38, 1-based): chr8:31,087,925, G>A. VCF-style: chr8-31087925-G-A. GRCh37 (hg19) VCF-style: chr8-30945441-G-A.
Identifiers: ClinVar variation 528147 (VCV000528147.5), dbSNP rs552659656, ClinGen allele CA174863657.